The following is an entry in ClinVar:

NM_001148.6(ANK2):c.3455C>T (p.Ala1152Val)

Gene: ANK2 (ankyrin 2; plus strand). Cytogenetic location: 4q26.
Variant type: single nucleotide variant.
Coding change: c.3455C>T on transcript NM_001148.6 (MANE Select); coding-DNA position 3455, C replaced by T.
Protein change: p.Ala1152Val; replaces alanine 1152 with valine.
Molecular consequence: missense variant.
Genome position (GRCh38, 1-based): chr4:113,335,921, C>T. VCF-style: chr4-113335921-C-T. GRCh37 (hg19) VCF-style: chr4-114257077-C-T.
Other names: c.3428C>T, p.Ala1143Val (NM_001127493.3); c.3467C>T, p.Ala1156Val (NM_001354225.2); c.3356C>T, p.Ala1119Val (NM_001354228.2, NM_001354258.2); c.3434C>T, p.Ala1145Val (NM_001354230.2); c.3497C>T, p.Ala1166Val (NM_001354231.2, NM_001354242.2); c.3491C>T, p.Ala1164Val (NM_001354232.2); c.3452C>T, p.Ala1151Val (NM_001354235.2, NM_001354246.2, NM_001354265.2); c.3353C>T, p.Ala1118Val (NM_001354236.2); and 31 more; short protein forms A1024V, A1081V, A1098V, A1100V, A1119V, A1135V, A1143V, A1152V.
Identifiers: ClinVar variation 1433961 (VCV001433961.9), dbSNP rs376536631, ClinGen allele CA3050851.

ClinVar aggregate classification (germline): Uncertain significance. Review status: criteria provided, multiple submitters, no conflicts (2 of 4 stars). 3 submissions from 3 submitters: Uncertain significance (3). Last evaluated 2025-04-03.

Conditions:
Cardiovascular phenotype. Identifiers: MedGen CN230736.
Long QT syndrome (LQTS). Identifiers: MedGen C0023976, MeSH D008133, MONDO:0002442. Disease mechanism: loss of function. Inheritance: Various modes of inheritance.

Allele frequency attached by ClinVar (database versions not stated): gnomAD exomes below 0.00001 and 0.00001; ExAC 0.00001; gnomAD 0.00001; TOPMed 0.00001; ESP Exome Variant Server 0.00008.
gnomAD v4.1: 14 of 1,613,994 alleles (0.00087%); highest among the groups gnomAD compares: Non-Finnish European, 0.0012%; no homozygotes.

Submissions (3):

Ambry Genetics
Classification: Uncertain significance for Cardiovascular phenotype. Last evaluated: 2025-04-03. Review status: criteria provided, single submitter. Criteria: Ambry Variant Classification Scheme 2023. Collection method: clinical testing. Allele origin: germline.
Comment: The p.A1152V variant (also known as c.3455C>T), located in coding exon 30 of the ANK2 gene, results from a C to T substitution at nucleotide position 3455. The alanine at codon 1152 is replaced by valine, an amino acid with similar properties. This amino acid position is highly conserved in available vertebrate species. In addition, this alteration is predicted to be deleterious by in silico analysis. Based on the available evidence, the clinical significance of this variant remains unclear.

Labcorp Genetics (formerly Invitae), Labcorp
Classification: Uncertain significance for Long QT syndrome. Last evaluated: 2024-10-18. Review status: criteria provided, single submitter. Criteria: Invitae Variant Classification Sherloc (09022015). Collection method: clinical testing. Allele origin: germline.
Comment: This sequence change replaces alanine, which is neutral and non-polar, with valine, which is neutral and non-polar, at codon 1152 of the ANK2 protein (p.Ala1152Val). This variant is present in population databases (rs376536631, gnomAD 0.002%). This variant has not been reported in the literature in individuals affected with ANK2-related conditions. ClinVar contains an entry for this variant (Variation ID: 1433961). Invitae Evidence Modeling of protein sequence and biophysical properties (such as structural, functional, and spatial information, amino acid conservation, physicochemical variation, residue mobility, and thermodynamic stability) has been performed for this missense variant. However, the output from this modeling did not meet the statistical confidence thresholds required to predict the impact of this variant on ANK2 protein function. In summary, the available evidence is currently insufficient to determine the role of this variant in disease. Therefore, it has been classified as a Variant of Uncertain Significance.

Blueprint Genetics
Classification: Uncertain significance. Last evaluated: 2020-05-20. Review status: criteria provided, single submitter. Criteria: ACMG Guidelines, 2015. Collection method: clinical testing. Allele origin: germline.